The following is an entry in ClinVar:

NM_004336.5(BUB1):c.2847G>C (p.Gln949His)

Gene: BUB1 (BUB1 mitotic checkpoint serine/threonine kinase; minus strand). Cytogenetic location: 2q13.
Variant type: single nucleotide variant.
Coding change: c.2847G>C on transcript NM_004336.5 (MANE Select); coding-DNA position 2847, G replaced by C.
Protein change: p.Gln949His; replaces glutamine 949 with histidine.
Molecular consequence: missense variant.
Genome position (GRCh38, 1-based): chr2:110,641,142, C>G on the plus strand (G>C on the coding strand, the complement: BUB1 is on the minus strand). VCF-style: chr2-110641142-C-G. GRCh37 (hg19) VCF-style: chr2-111398719-C-G.
Other names: c.2787G>C, p.Gln929His (NM_001278616.2); c.2676G>C, p.Gln892His (NM_001278617.2); short protein forms Q892H, Q929H, Q949H.
Identifiers: ClinVar variation 2451229 (VCV002451229.2), dbSNP rs1170299497, ClinGen allele CA348089168.

ClinVar aggregate classification (germline): Uncertain significance (1 of 4 stars; one submission).

Submission:

Ambry Genetics
Classification: Uncertain significance. Last evaluated: 2022-11-21. Review status: criteria provided, single submitter. Criteria: Ambry Variant Classification Scheme 2023. Collection method: clinical testing. Allele origin: germline.
Comment: The p.Q949H variant (also known as c.2847G>C), located in coding exon 23 of the BUB1 gene, results from a G to C substitution at nucleotide position 2847. The glutamine at codon 949 is replaced by histidine, an amino acid with highly similar properties. This amino acid position is conserved. In addition, the in silico prediction for this alteration is inconclusive. Since supporting evidence is limited at this time, the clinical significance of this alteration remains unclear.